The following is an entry in ClinVar:

ClinVar aggregate classification (germline): Uncertain significance (1 of 4 stars; one submission).

Conditions:
Immunodeficiency-centromeric instability-facial anomalies syndrome 1 (ICF1). Identifiers: Orphanet 2268, MedGen C4551557, MONDO:0009454, OMIM 242860.

Allele frequency attached by ClinVar (database versions not stated): gnomAD exomes below 0.00001; ExAC 0.00001; gnomAD 0.00001; TOPMed 0.00002.

Submission:

Baylor Genetics
Classification: Uncertain significance for Immunodeficiency-centromeric instability-facial anomalies syndrome 1. Last evaluated: 2018-10-17. Review status: criteria provided, single submitter. Criteria: ACMG Guidelines, 2015. Collection method: clinical testing. Allele origin: maternal. Affected: yes.
Comment: This variant was determined to be of uncertain significance according to ACMG Guidelines, 2015 [PMID:25741868].

NM_006892.4(DNMT3B):c.142+3G>A

Gene: DNMT3B (DNA methyltransferase 3 beta; plus strand). Cytogenetic location: 20q11.21.
Variant type: single nucleotide variant.
Coding change: c.142+3G>A on transcript NM_006892.4 (MANE Select); 3 bases into the intron after coding-DNA position 142, G replaced by A.
Molecular consequence: intron variant.
Genome position (GRCh38, 1-based): chr20:32,780,468, G>A. VCF-style: chr20-32780468-G-A. GRCh37 (hg19) VCF-style: chr20-31368274-G-A.
Other names: c.142+3G>A (NM_175848.2, NM_175849.2, NM_001207055.2 and 1 more transcripts); c.178+3G>A (NM_175850.3).
Identifiers: ClinVar variation 1032498 (VCV001032498.1), dbSNP rs779770844, ClinGen allele CA9810042.